The following is an entry in ClinVar:

NM_001122769.3(LCA5):c.1824_1826del (p.Leu608del)

Gene: LCA5 (lebercilin LCA5; minus strand). Cytogenetic location: 6q14.1.
Variant type: Deletion.
Coding change: c.1824_1826del on transcript NM_001122769.3 (MANE Select); coding-DNA positions 1824 to 1826, 3 bases deleted (ATT; older notation c.1824_1826delATT).
Protein change: p.Leu608del; deletes leucine 608.
Molecular consequence: inframe deletion.
Genome position (GRCh38, 1-based): chr6:79,487,272-79,487,274, AAT deleted on the plus strand (ATT on the coding strand, the reverse complement: LCA5 is on the minus strand); deleting any 3 consecutive bases within chr6:79,487,272-79,487,276 gives the same sequence; the c. name uses the placement nearest the transcript's 3' end. VCF-style (leftmost placement, unchanged base first): chr6-79487271-AAAT-A. GRCh37 (hg19) VCF-style: chr6-80196988-AAAT-A.
Other names: c.1824_1826del, p.Leu608del (NM_181714.4); short protein forms L608del.
Identifiers: ClinVar variation 1360140 (VCV001360140.8), dbSNP rs2127665579, ClinGen allele CA2573141247.
Genomic context (GRCh38, chr6:79,487,271, plus strand): 5'-GGAAGCCACAGAATTTGGGTCACTGCTTTTGGAGGAAATGGTGCTGCTACCACTGGCACC[AAAT>A]AACTGTTCCATCAAATTAGCTTTTTTCTCTTTTCTTGTAATTAAATCTACACCATCTTTA-3'

ClinVar aggregate classification (germline): Uncertain significance (1 of 4 stars; one submission).

Submission:

Labcorp Genetics (formerly Invitae), Labcorp
Classification: Uncertain significance. Last evaluated: 2022-08-21. Review status: criteria provided, single submitter. Criteria: Invitae Variant Classification Sherloc (09022015). Collection method: clinical testing. Allele origin: germline.
Comment: In summary, the available evidence is currently insufficient to determine the role of this variant in disease. Therefore, it has been classified as a Variant of Uncertain Significance. Experimental studies and prediction algorithms are not available or were not evaluated, and the functional significance of this variant is currently unknown. ClinVar contains an entry for this variant (Variation ID: 1360140). This variant has not been reported in the literature in individuals affected with LCA5-related conditions. This variant is not present in population databases (gnomAD no frequency). This variant, c.1824_1826del, results in the deletion of 1 amino acid(s) of the LCA5 protein (p.Leu608del), but otherwise preserves the integrity of the reading frame.